The following is an entry in ClinVar:

ClinVar aggregate classification (germline): Uncertain significance (1 of 4 stars; one submission).

Conditions:
Hereditary cancer-predisposing syndrome. Also called: Neoplastic Syndromes, Hereditary; Tumor predisposition; Hereditary neoplastic syndrome; Hereditary Cancer Syndrome. Identifiers: Orphanet 140162, MedGen C0027672, MeSH D009386, MONDO:0015356.

Submission:

Ambry Genetics
Classification: Uncertain significance for Hereditary cancer-predisposing syndrome. Last evaluated: 2026-07-13. Review status: criteria provided, single submitter. Criteria: Ambry Variant Classification Scheme 2023. Collection method: clinical testing. Allele origin: germline.
Comment: The p.L296P variant (also known as c.887T>C), located in coding exon 10 of the BAP1 gene, results from a T to C substitution at nucleotide position 887. The leucine at codon 296 is replaced by proline, an amino acid with similar properties. This amino acid position is conserved. In addition, the in silico prediction for this alteration is inconclusive. Based on the available evidence, the clinical significance of this variant remains unclear.

NM_004656.4(BAP1):c.887T>C (p.Leu296Pro)

Gene: BAP1 (BRCA1 associated deubiquitinase 1; minus strand). Cytogenetic location: 3p21.1.
Variant type: single nucleotide variant.
Coding change: c.887T>C on transcript NM_004656.4 (MANE Select); coding-DNA position 887, T replaced by C.
Protein change: p.Leu296Pro; replaces leucine 296 with proline.
Molecular consequence: missense variant.
Genome position (GRCh38, 1-based): chr3:52,405,809, A>G on the plus strand (T>C on the coding strand, the complement: BAP1 is on the minus strand). VCF-style: chr3-52405809-A-G. GRCh37 (hg19) VCF-style: chr3-52439825-A-G.
Other names: c.833T>C, p.Leu278Pro (NM_001410772.1); short protein forms L278P, L296P.
Identifiers: ClinVar variation 5032731 (VCV005032731.1).